The following is an entry in ClinVar:

NM_017636.4(TRPM4):c.1103A>G (p.Asp368Gly)

Gene: TRPM4 (transient receptor potential cation channel subfamily M member 4; plus strand). Cytogenetic location: 19q13.33.
Variant type: single nucleotide variant.
Coding change: c.1103A>G on transcript NM_017636.4 (MANE Select); coding-DNA position 1103, A replaced by G.
Protein change: p.Asp368Gly; replaces aspartic acid 368 with glycine.
Molecular consequence: missense variant. On other transcripts: 5 prime UTR variant (1), intron variant (1).
Genome position (GRCh38, 1-based): chr19:49,172,061, A>G. VCF-style: chr19-49172061-A-G. GRCh37 (hg19) VCF-style: chr19-49675318-A-G.
Other names: c.1103A>G, p.Asp368Gly (NM_001195227.2); c.758A>G, p.Asp253Gly (NM_001321281.2); c.-451A>G (NM_001321282.2); c.581A>G, p.Asp194Gly (NM_001321283.2); c.201+292A>G (NM_001321285.2); short protein forms D368G, D194G, D253G.
Identifiers: ClinVar variation 4776342 (VCV004776342.2).

ClinVar aggregate classification (germline): Uncertain significance. Review status: criteria provided, multiple submitters, no conflicts (2 of 4 stars). 2 submissions from 2 submitters: Uncertain significance (2). Last evaluated 2025-05-05.

Conditions:
Progressive familial heart block type IB (PFHB1B). Identifiers: Orphanet 871, MedGen C1970298, MONDO:0011474, OMIM 604559.

gnomAD v4.1: 1 of 1,614,046 alleles (0.000062%); highest among the groups gnomAD compares: Non-Finnish European, 0.000085%; no homozygotes.

Submissions (2):

Labcorp Genetics (formerly Invitae), Labcorp
Classification: Uncertain significance for Progressive familial heart block type IB. Last evaluated: 2025-05-05. Review status: criteria provided, single submitter. Criteria: Invitae Variant Classification Sherloc (09022015). Collection method: clinical testing. Allele origin: germline.
Comment: This sequence change replaces aspartic acid, which is acidic and polar, with glycine, which is neutral and non-polar, at codon 368 of the TRPM4 protein (p.Asp368Gly). This variant is not present in population databases (gnomAD no frequency). This variant has not been reported in the literature in individuals affected with TRPM4-related conditions. An algorithm developed to predict the effect of missense changes on protein structure and function (PolyPhen-2) suggests that this variant is likely to be disruptive. Algorithms developed to predict the effect of sequence changes on RNA splicing suggest that this variant may disrupt the consensus splice site. In summary, the available evidence is currently insufficient to determine the role of this variant in disease. Therefore, it has been classified as a Variant of Uncertain Significance.

Blueprint Genetics
Classification: Uncertain significance. Last evaluated: 2019-09-10. Review status: criteria provided, single submitter. Criteria: ACMG Guidelines, 2015. Collection method: clinical testing. Allele origin: germline.